The following is an entry in ClinVar:

NM_000553.6(WRN):c.2872G>A (p.Asp958Asn)

Gene: WRN (WRN RecQ like helicase; plus strand). Cytogenetic location: 8p12.
Variant type: single nucleotide variant.
Coding change: c.2872G>A on transcript NM_000553.6 (MANE Select); coding-DNA position 2872, G replaced by A.
Protein change: p.Asp958Asn; replaces aspartic acid 958 with asparagine.
Molecular consequence: missense variant.
Genome position (GRCh38, 1-based): chr8:31,132,411, G>A. VCF-style: chr8-31132411-G-A. GRCh37 (hg19) VCF-style: chr8-30989927-G-A.
Other names: short protein forms D958N.
Identifiers: ClinVar variation 2658526 (VCV002658526.24), dbSNP rs2536012190, ClinGen allele CA370918950.

ClinVar aggregate classification (germline): Uncertain significance (1 of 4 stars; one submission).

Submission:

CeGaT Center for Human Genetics Tuebingen
Classification: Uncertain significance. Last evaluated: 2022-03-01. Review status: criteria provided, single submitter. Criteria: CeGaT Center For Human Genetics Tuebingen Variant Classification Criteria Version 2. Collection method: clinical testing. Allele origin: germline. Affected: yes. Observed: 1 variant allele.
Comment: WRN: PM2